The following is an entry in ClinVar:

NM_139076.3(ABRAXAS1):c.322C>A (p.Gln108Lys)

Gene: ABRAXAS1 (abraxas 1, BRCA1 A complex subunit; minus strand). Cytogenetic location: 4q21.23.
Variant type: single nucleotide variant.
Coding change: c.322C>A on transcript NM_139076.3 (MANE Select); coding-DNA position 322, C replaced by A.
Protein change: p.Gln108Lys; replaces glutamine 108 with lysine.
Molecular consequence: missense variant. On other transcripts: 5 prime UTR variant (1).
Genome position (GRCh38, 1-based): chr4:83,470,357, G>T on the plus strand (C>A on the coding strand, the complement: ABRAXAS1 is on the minus strand). VCF-style: chr4-83470357-G-T. GRCh37 (hg19) VCF-style: chr4-84391510-G-T.
Other names: c.-6C>A (NM_001345962.2); short protein forms Q108K.
Identifiers: ClinVar variation 4636472 (VCV004636472.1).

ClinVar aggregate classification (germline): Uncertain significance (1 of 4 stars; one submission).

Submission:

Ambry Genetics
Classification: Uncertain significance. Last evaluated: 2025-10-31. Review status: criteria provided, single submitter. Criteria: Ambry Variant Classification Scheme 2023. Collection method: clinical testing. Allele origin: germline.
Comment: The p.Q108K variant (also known as c.322C>A), located in coding exon 5 of the FAM175A gene, results from a C to A substitution at nucleotide position 322. The glutamine at codon 108 is replaced by lysine, an amino acid with similar properties. This amino acid position is conserved. In addition, the in silico prediction for this alteration is inconclusive. Based on the available evidence, the clinical significance of this variant remains unclear.